The following is an entry in ClinVar:

NM_000860.6(HPGD):c.310_311del (p.Leu104fs)

Gene: HPGD (15-hydroxyprostaglandin dehydrogenase; minus strand). Cytogenetic location: 4q34.1.
Variant type: Microsatellite.
Coding change: c.310_311del on transcript NM_000860.6 (MANE Select); coding-DNA positions 310 to 311, 2 bases deleted (CT; older notation c.310_311delCT).
Protein change: p.Leu104fs; shifts the reading frame from leucine 104.
Molecular consequence: frameshift variant. On other transcripts: 5 prime UTR variant (1), intron variant (2).
Genome position (GRCh38, 1-based): chr4:174,517,984-174,517,985, AG deleted on the plus strand (CT on the coding strand, the reverse complement: HPGD is on the minus strand); deleting any 2 consecutive bases within chr4:174,517,984-174,517,987 gives the same sequence; the c. name uses the placement nearest the transcript's 3' end. VCF-style (leftmost placement, unchanged base first): chr4-174517983-CAG-C. GRCh37 (hg19) VCF-style: chr4-175439134-CAG-C.
Other names: c.310_311delCT (NM_000860.5); c.310_311del, p.Leu104fs (NM_001145816.3, NM_001256305.2, NM_001363574.2); c.-56CT[1] (NM_001256301.1); c.217+3959_217+3960del (NM_001256306.2); c.-40+3959_-40+3960del (NM_001256307.2); short protein forms L104fs.
Identifiers: ClinVar variation 156027 (VCV000156027.19), dbSNP rs587777719, ClinGen allele CA170752.

ClinVar aggregate classification (germline): Pathogenic. Review status: criteria provided, multiple submitters, no conflicts (2 of 4 stars). 11 submissions from 11 submitters: Pathogenic (7). 4 of the submissions do not count toward it. Last evaluated 2026-04-27.

Conditions:
HPGD-related disorder. Also called: HPGD-related disorders; HPGD-related condition.
Isolated congenital digital clubbing. Also called: ACROPACHY, HEREDITARY; CLUBBING OF DIGITS. Identifiers: Orphanet 217059, MedGen C0345408, MONDO:0007343, OMIM 119900.
Hypertrophic osteoarthropathy, primary, autosomal recessive, 1 (PHOAR1). Also called: PHO, AUTOSOMAL RECESSIVE. Identifiers: Orphanet 1525, Orphanet 2796, MedGen C4551679, MONDO:0024546, OMIM 259100.

Submissions (11):

PreventionGenetics, part of Exact Sciences
Classification: Pathogenic for HPGD-related condition. Last evaluated: 2026-04-27. Review status: criteria provided, single submitter. Criteria: ACMG Guidelines, 2015. Collection method: clinical testing. Allele origin: germline.
Comment: The HPGD c.310_311delCT variant is predicted to result in a frameshift and premature protein termination (p.Leu104Alafs*3). This variant has been reported in multiple individuals with primary hypertrophic osteoarthropathy in the homozygous or compound heterozygous state (see for example, Erken et al 2015. PubMed ID: 24533558; Tüysüz B et al 2014. PubMed ID: 24816859; Lu et al. 2022. PubMed ID: 35813463). This variant is reported in 0.060% of alleles in individuals of East Asian descent in gnomAD. Frameshift variants in HPGD are expected to be pathogenic. This variant is interpreted as pathogenic.

First Genomix Gene Laboratory, Genetic Diagnostics Department
Classification: Pathogenic for Isolated congenital digital clubbing; Hypertrophic osteoarthropathy, primary, autosomal recessive, 1. Last evaluated: 2025-12-28. Review status: criteria provided, single submitter. Criteria: ACMG Guidelines, 2015. Collection method: clinical testing. Allele origin: germline. Inheritance: Autosomal recessive inheritance. Affected: no. Observed: 1 variant allele.

3billion
Classification: Pathogenic for Hypertrophic osteoarthropathy, primary, autosomal recessive, 1. Last evaluated: 2024-11-07. Review status: criteria provided, single submitter. Criteria: ACMG Guidelines, 2015. Collection method: clinical testing. Allele origin: germline. Affected: yes.
Comment: The variant is observed at an extremely low frequency in the gnomAD v4.1.0 dataset (total allele frequency: 0.002%). Predicted Consequence/Location: Frameshift: predicted to result in a loss or disruption of normal protein function through nonsense-mediated decay (NMD) or protein truncation. Multiple pathogenic variants are reported downstream of the variant. The variant has been reported at least twice as pathogenic with clinical assertions and evidence for the classification (ClinVar ID: VCV000156027 /PMID: 24533558). Therefore, this variant is classified as Pathogenic according to the recommendation of ACMG/AMP guideline.

Labcorp Genetics (formerly Invitae), Labcorp
Classification: Pathogenic. Last evaluated: 2023-10-25. Review status: criteria provided, single submitter. Criteria: Invitae Variant Classification Sherloc (09022015). Collection method: clinical testing. Allele origin: germline.
Comment: This sequence change creates a premature translational stop signal (p.Leu104Alafs*3) in the HPGD gene. It is expected to result in an absent or disrupted protein product. Loss-of-function variants in HPGD are known to be pathogenic (PMID: 18500342, 19568269, 24533558, 24816859). This variant is present in population databases (rs587777719, gnomAD 0.05%). This premature translational stop signal has been observed in individual(s) with primary hypertrophic osteoarthropathy (PMID: 24533558). ClinVar contains an entry for this variant (Variation ID: 156027). For these reasons, this variant has been classified as Pathogenic.

GeneDx
Classification: Pathogenic. Last evaluated: 2022-04-11. Review status: criteria provided, single submitter. Criteria: GeneDx Variant Classification Process June 2021. Collection method: clinical testing. Allele origin: germline. Affected: yes.
Comment: Frameshift variant predicted to result in protein truncation or nonsense mediated decay in a gene for which loss-of-function is a known mechanism of disease; This variant is associated with the following publications: (PMID: 34426522, 29652982, 25863089, 28253600, 30215240, 30292630, 24816859, 24533558, 31063976)

Illumina Laboratory Services, Illumina
Classification: Pathogenic for HPGD-Related Disorders. Last evaluated: 2018-08-22. Review status: criteria provided, single submitter. Criteria: ICSL Variant Classification Criteria 09 May 2019. Collection method: clinical testing. Allele origin: germline.
Comment: The HPGD c.310_311delCT (p.Leu104AlafsTer3) variant results in a frameshift and is predicted to result in premature termination of the protein. The p.Leu104AlafsTer3 variant has been identified in 13 individuals with primary hypertrophic osteoarthropathy, including in a homozygous state in ten probands, in a compound heterozygous state in one proband, and in a heterozygous state in two probands in whom a second variant was not identified (TÃ¼ysÃ¼z et al. 2014; Erken et al. 2015; Yuan et al. 2015). The p.Leu104AlafsTer3 variant was also found in a heterozygous state in nine unaffected relatives of the probands. The p.Leu104AlafsTer3 variant was absent from 236 controls and is reported at a frequency of 0.00061 in the East Asian population of the Exome Aggregation Consortium. Based on the evidence, the p.Leu104AlafsTer3 is classified as pathogenic for HPGD-related disorders.

Juno Genomics, Hangzhou Juno Genomics, Inc
Classification: Pathogenic for Isolated congenital digital clubbing; Hypertrophic osteoarthropathy, primary, autosomal recessive, 1. Review status: criteria provided, single submitter. Criteria: ACMG Guidelines, 2015. Collection method: clinical testing. Allele origin: germline. Affected: yes.
Comment: For recessive disorders, detected in trans with a pathogenic variant.;Patient's phenotype or family history is highly specific for a disease with a single genetic etiology.;Null variant in a gene where loss of function (LOF) is a known mechanism of disease.

Yale Center for Mendelian Genomics, Yale University
Classification: Pathogenic for Hypertrophic osteoarthropathy, primary, autosomal recessive, 1. Last evaluated: 2014-05-12. Review status: no assertion criteria provided. Collection method: literature only. Allele origin: germline. Affected: yes. Observed: 2 homozygotes. Not counted in ClinVar's aggregate classification.

OMIM
Classification: Pathogenic for HYPERTROPHIC OSTEOARTHROPATHY, PRIMARY, AUTOSOMAL RECESSIVE, 1. Last evaluated: 2014-02-18. Review status: no assertion criteria provided. Collection method: literature only. Allele origin: germline. Not counted in ClinVar's aggregate classification.

Bioscientia Institut fuer Medizinische Diagnostik GmbH, Sonic Healthcare
Classification: Pathogenic for Hypertrophic osteoarthropathy, primary, autosomal recessive, 1. Review status: no assertion criteria provided. Collection method: clinical testing. Allele origin: germline. Affected: yes. Not counted in ClinVar's aggregate classification.

Prenatal Diagnosis Center, International Peace Maternity & Child Health Hospital
Classification: Pathogenic for Hypertrophic osteoarthropathy, primary, autosomal recessive, 1. Review status: no assertion criteria provided. Collection method: literature only. Allele origin: de novo. Not counted in ClinVar's aggregate classification.

Literature cited by the submitters: PubMed 24533558 (cited by 4 submitters); PubMed 18500342 (cited by Labcorp Genetics (formerly Invitae), Labcorp and Prenatal Diagnosis Center, International Peace Maternity & Child Health Hospital); PubMed 19568269 (cited by Labcorp Genetics (formerly Invitae), Labcorp); PubMed 24816859 (cited by 3 submitters); PubMed 26135126 (cited by Illumina Laboratory Services, Illumina).